The following is an entry in ClinVar:

ClinVar aggregate classification (germline): Pathogenic (1 of 4 stars; one submission).

Submission:

Labcorp Genetics (formerly Invitae), Labcorp
Classification: Pathogenic. Last evaluated: 2025-09-10. Review status: criteria provided, single submitter. Criteria: Invitae Variant Classification Sherloc (09022015). Collection method: clinical testing. Allele origin: germline.
Comment: This sequence change creates a premature translational stop signal (p.Gly283Valfs*63) in the COL4A5 gene. It is expected to result in an absent or disrupted protein product. Loss-of-function variants in COL4A5 are known to be pathogenic (PMID: 9195222, 10752524, 14514738, 24854265, 26809805). This variant is not present in population databases (gnomAD no frequency). This variant has not been reported in the literature in individuals affected with COL4A5-related conditions. ClinVar contains an entry for this variant (Variation ID: 1382864). This variant disrupts the triple helix domain of COL4A5. Glycine residues within the Gly-Xaa-Yaa repeats of the triple helix domain are required for the structure and stability of fibrillar collagens (PMID: 7695699, 8218237, 19344236). In COL4A5, missense variants at these glycine residues are significantly enriched in individuals with disease (PMID: 23720012, 27627812) compared to the general population (ExAC). For these reasons, this variant has been classified as Pathogenic.

Literature cited by the submitters: PubMed 9195222; PubMed 10752524; PubMed 14514738; PubMed 24854265; PubMed 26809805; PubMed 7695699; PubMed 8218237; PubMed 19344236; PubMed 23720012; PubMed 27627812.

NM_033380.3(COL4A5):c.848del (p.Gly283fs)

Gene: COL4A5 (collagen type IV alpha 5 chain; plus strand). Cytogenetic location: Xq22.3.
Variant type: Deletion.
Coding change: c.848del on transcript NM_033380.3 (MANE Select); coding-DNA position 848, one base deleted (G; older notation c.848delG).
Protein change: p.Gly283fs; shifts the reading frame from glycine 283.
Molecular consequence: frameshift variant.
Genome position (GRCh38, 1-based): chrX:108,580,695, G deleted; the last of 2 consecutive G bases (chrX:108,580,694-108,580,695); deleting either gives the same sequence. VCF-style (leftmost placement, unchanged base first): chrX-108580693-TG-T. GRCh37 (hg19) VCF-style: chrX-107823923-TG-T.
Other names: c.848del, p.Gly283fs (NM_000495.5); short protein forms G283fs.
Identifiers: ClinVar variation 1382864 (VCV001382864.6), dbSNP rs2147776565, ClinGen allele CA2573159076.
Genomic context (GRCh38, chrX:108,580,693, plus strand): 5'-GGTACACAGTATCCCATGAACCATTGTGAAACTATTTTTATGTGTACAGGGTCCCCCAGG[TG>T]GTGAGAAAGGTGAGAAGGGTGAGCAAGGAGAGCCAGGCAAAAGAGTAAGTGATGTAACTG-3'